The following is an entry in ClinVar:

NM_020754.4(ARHGAP31):c.3983G>A (p.Arg1328Gln)

Gene: ARHGAP31 (Rho GTPase activating protein 31; plus strand). Cytogenetic location: 3q13.33.
Variant type: single nucleotide variant.
Coding change: c.3983G>A on transcript NM_020754.4 (MANE Select); coding-DNA position 3983, G replaced by A.
Protein change: p.Arg1328Gln; replaces arginine 1328 with glutamine.
Molecular consequence: missense variant.
Genome position (GRCh38, 1-based): chr3:119,415,912, G>A. VCF-style: chr3-119415912-G-A. GRCh37 (hg19) VCF-style: chr3-119134759-G-A.
Other names: c.3983G>A (NM_020754.3); short protein forms R1328Q.
Identifiers: ClinVar variation 2071229 (VCV002071229.9), dbSNP rs199708581, ClinGen allele CA2554284.
Genomic context (GRCh38, chr3:119,415,912, plus strand): 5'-GAAAGCGCATGTCAGAGACAGAGCCATCTGGGGACAACCTTCTTTCTTCAAAACTAGAGC[G>A]ACCATCTGGGGGTTCTAAGCCTTTCCACAGGTCAAGGCCAGGAAGACCTCAGAGCCTAAT-3'
Protein context (NP_065805.2, residues 1318-1338): GDNLLSSKLE[Arg1328Gln]PSGGSKPFHR

ClinVar aggregate classification (germline): Likely benign. Review status: criteria provided, multiple submitters, no conflicts (2 of 4 stars). 5 submissions from 5 submitters: Likely benign (4). 1 of the submissions does not count toward it. Last evaluated 2025-12-19.

Conditions:
ARHGAP31-related disorder. Also called: ARHGAP31-related condition.
Inborn genetic diseases. Identifiers: MedGen C0950123, MeSH D030342.

Allele frequency attached by ClinVar (database versions not stated): TOPMed 0.00015; 1000 Genomes Project 0.00040; 1000 Genomes Project 30x 0.00047.
gnomAD v4.1: 128 of 1,614,176 alleles (0.0079%); highest among the groups gnomAD compares: East Asian, 0.17%; no homozygotes.

Submissions (5):

Labcorp Genetics (formerly Invitae), Labcorp
Classification: Likely benign. Last evaluated: 2025-12-19. Review status: criteria provided, single submitter. Criteria: Invitae Variant Classification Sherloc (09022015). Collection method: clinical testing. Allele origin: germline.

Blueprint Genetics
Classification: Likely benign. Last evaluated: 2024-11-15. Review status: criteria provided, single submitter. Criteria: ACMG Guidelines, 2015. Collection method: clinical testing. Allele origin: germline.

Women's Health and Genetics/Laboratory Corporation of America, LabCorp
Classification: Likely benign. Last evaluated: 2024-11-04. Review status: criteria provided, single submitter. Criteria: LabCorp Variant Classification Summary - May 2015. Collection method: clinical testing. Allele origin: germline.
Comment: Variant summary: ARHGAP31 c.3983G>A (p.Arg1328Gln) results in a conservative amino acid change in the encoded protein sequence. Three of five in-silico tools predict a damaging effect of the variant on protein function. The variant allele was found at a frequency of 0.00012 in 249316 control chromosomes, predominantly at a frequency of 0.0012 within the East Asian subpopulation in the gnomAD database. The observed variant frequency within East Asian control individuals in the gnomAD database exceeds the estimated maximal expected allele frequency for a pathogenic variant in ARHGAP31 causing Adams-Oliver Syndrome 1 phenotype. To our knowledge, no occurrence of c.3983G>A in individuals affected with Adams-Oliver Syndrome 1 and no experimental evidence demonstrating its impact on protein function have been reported. ClinVar contains an entry for this variant (Variation ID: 2071229). Based on the evidence outlined above, the variant was classified as likely benign.

Ambry Genetics
Classification: Likely benign for Inborn genetic diseases. Last evaluated: 2021-09-16. Review status: criteria provided, single submitter. Criteria: Ambry Variant Classification Scheme 2023. Collection method: clinical testing. Allele origin: germline.

PreventionGenetics, part of Exact Sciences
Classification: Likely benign for ARHGAP31-related condition. Last evaluated: 2022-10-27. Review status: no assertion criteria provided. Collection method: clinical testing. Allele origin: germline. Not counted in ClinVar's aggregate classification.
Comment: This variant is classified as likely benign based on ACMG/AMP sequence variant interpretation guidelines (Richards et al. 2015 PMID: 25741868, with internal and published modifications).